The following is an entry in ClinVar:

ClinVar aggregate classification (germline): Benign (0 of 4 stars; one submission).

Conditions:
FAT3-related disorder. Also called: FAT3-related condition.

Allele frequency attached by ClinVar (database versions not stated): gnomAD exomes 0.00027; ExAC 0.00080; ESP Exome Variant Server 0.00186; gnomAD 0.00281; TOPMed 0.00323; 1000 Genomes Project 0.00439; 1000 Genomes Project 30x 0.00468.
gnomAD v4.1: 856 of 1,613,984 alleles (0.053%); highest among the groups gnomAD compares: African/African-American, 0.88%; 6 homozygotes.

Submission:

PreventionGenetics, part of Exact Sciences
Classification: Benign for FAT3-related condition. Last evaluated: 2019-07-30. Review status: no assertion criteria provided. Collection method: clinical testing. Allele origin: germline.
Comment: This variant is classified as benign based on ACMG/AMP sequence variant interpretation guidelines (Richards et al. 2015 PMID: 25741868, with internal and published modifications).

NM_001367949.2(FAT3):c.10291A>G (p.Thr3431Ala)

Gene: FAT3 (FAT atypical cadherin 3; plus strand). Cytogenetic location: 11q14.3.
Variant type: single nucleotide variant.
Coding change: c.10291A>G on transcript NM_001367949.2 (MANE Select); coding-DNA position 10291, A replaced by G.
Protein change: p.Thr3431Ala; replaces threonine 3431 with alanine.
Molecular consequence: missense variant.
Genome position (GRCh38, 1-based): chr11:92,837,729, A>G. VCF-style: chr11-92837729-A-G. GRCh37 (hg19) VCF-style: chr11-92570895-A-G.
Other names: c.10291A>G, p.Thr3431Ala (NM_001008781.3); short protein forms T3431A.
Identifiers: ClinVar variation 3035491 (VCV003035491.2), dbSNP rs149957554, ClinGen allele CA6228063.
Genomic context (GRCh38, chr11:92,837,729, plus strand): 5'-GGATACTCTCTGCTTGTCCAGGCCGTAGACAGTGGCATTCCTGCAATGTCATCAACTGCA[A>G]CTGTCAACATTGATATTTCTGATGTGAATGACAACAGCCCGGTGTTTACACCTGCCAACT-3'
Protein context (NP_001354878.1, residues 3421-3441): SGIPAMSSTA[Thr3431Ala]VNIDISDVND